The following is an entry in ClinVar:

ClinVar aggregate classification (germline): Likely pathogenic (1 of 4 stars; one submission).

Conditions:
Charcot-Marie-Tooth disease axonal type 2V. Also called: CHARCOT-MARIE-TOOTH NEUROPATHY, TYPE 2V; CHARCOT-MARIE-TOOTH DISEASE, AXONAL, AUTOSOMAL DOMINANT, TYPE 2V. Identifiers: Orphanet 447964, MedGen C5569050, MONDO:0014665, OMIM 616491.
Mucopolysaccharidosis, MPS-III-B (MPS3B). Also called: N-ACETYL-ALPHA-D-GLUCOSAMINIDASE DEFICIENCY; NAGLU DEFICIENCY; SANFILIPPO SYNDROME B; MPS III B; Mucopolysaccharidosis type IIIB (Sanfilippo B); MUCOPOLYSACCHARIDOSIS, TYPE IIIB. Identifiers: Orphanet 79270, MedGen C0086648, MONDO:0009656, OMIM 252920.

Submission:

Labcorp Genetics (formerly Invitae), Labcorp
Classification: Likely pathogenic for Charcot-Marie-Tooth disease axonal type 2V; Mucopolysaccharidosis, MPS-III-B. Last evaluated: 2023-04-30. Review status: criteria provided, single submitter. Criteria: Invitae Variant Classification Sherloc (09022015). Collection method: clinical testing. Allele origin: germline.
Comment: This variant disrupts the p.Tyr140 amino acid residue in NAGLU. Other variant(s) that disrupt this residue have been determined to be pathogenic (PMID: 9443875, 9443878, 9950362, 11153910, 26907177). This suggests that this residue is clinically significant, and that variants that disrupt this residue are likely to be disease-causing. Advanced modeling of protein sequence and biophysical properties (such as structural, functional, and spatial information, amino acid conservation, physicochemical variation, residue mobility, and thermodynamic stability) performed at Invitae indicates that this missense variant is expected to disrupt NAGLU protein function. This variant has not been reported in the literature in individuals affected with NAGLU-related conditions. This variant is not present in population databases (gnomAD no frequency). This sequence change replaces tyrosine, which is neutral and polar, with serine, which is neutral and polar, at codon 140 of the NAGLU protein (p.Tyr140Ser). In summary, the currently available evidence indicates that the variant is pathogenic, but additional data are needed to prove that conclusively. Therefore, this variant has been classified as Likely Pathogenic.

Literature cited by the submitters: PubMed 9443875; PubMed 9443878; PubMed 9950362; PubMed 11153910; PubMed 26907177.

NM_000263.4(NAGLU):c.419A>C (p.Tyr140Ser)

Gene: NAGLU (N-acetyl-alpha-glucosaminidase; plus strand). Cytogenetic location: 17q21.2.
Variant type: single nucleotide variant.
Coding change: c.419A>C on transcript NM_000263.4 (MANE Select); coding-DNA position 419, A replaced by C.
Protein change: p.Tyr140Ser; replaces tyrosine 140 with serine.
Molecular consequence: missense variant.
Genome position (GRCh38, 1-based): chr17:42,537,433, A>C. VCF-style: chr17-42537433-A-C. GRCh37 (hg19) VCF-style: chr17-40689451-A-C.
Other names: short protein forms Y140S.
Identifiers: ClinVar variation 2947317 (VCV002947317.3), dbSNP rs753520553, ClinGen allele CA399598060.